The following is an entry in ClinVar:

ClinVar aggregate classification (germline): Uncertain significance (1 of 4 stars; one submission).

Conditions:
Autosomal dominant nonsyndromic hearing loss 1. Also called: DEAFNESS, AUTOSOMAL DOMINANT 1, WITH OR WITHOUT THROMBOCYTOPENIA; KONIGSMARK SYNDROME. Identifiers: Orphanet 90635, MedGen C1852282, MONDO:0007424, OMIM 124900.
Progressive microcephaly-seizures-cortical blindness-developmental delay syndrome. Also called: Seizures, cortical blindness, and microcephaly syndrome. Identifiers: Orphanet 477814, MedGen C5567650, MONDO:0014714, OMIM 616632.

Allele frequency attached by ClinVar (database versions not stated): gnomAD exomes below 0.00001.

Submission:

Labcorp Genetics (formerly Invitae), Labcorp
Classification: Uncertain significance for Progressive microcephaly-seizures-cortical blindness-developmental delay syndrome; Autosomal dominant nonsyndromic hearing loss 1. Last evaluated: 2021-03-25. Review status: criteria provided, single submitter. Criteria: Invitae Variant Classification Sherloc (09022015). Collection method: clinical testing. Allele origin: germline.
Comment: This variant has not been reported in the literature in individuals with DIAPH1-related conditions. This sequence change replaces threonine with isoleucine at codon 40 of the DIAPH1 protein (p.Thr40Ile). The threonine residue is weakly conserved and there is a moderate physicochemical difference between threonine and isoleucine. This variant is not present in population databases (ExAC no frequency). Algorithms developed to predict the effect of missense changes on protein structure and function are either unavailable or do not agree on the potential impact of this missense change (SIFT: "Deleterious"; PolyPhen-2: "Not Available"; Align-GVGD: "Class C0"). In summary, the available evidence is currently insufficient to determine the role of this variant in disease. Therefore, it has been classified as a Variant of Uncertain Significance.

NM_005219.5(DIAPH1):c.119C>T (p.Thr40Ile)

Gene: DIAPH1 (diaphanous related formin 1; minus strand). Cytogenetic location: 5q31.3.
Variant type: single nucleotide variant.
Coding change: c.119C>T on transcript NM_005219.5 (MANE Select); coding-DNA position 119, C replaced by T.
Protein change: p.Thr40Ile; replaces threonine 40 with isoleucine.
Molecular consequence: missense variant. On other transcripts: intron variant (1).
Genome position (GRCh38, 1-based): chr5:141,588,249, G>A on the plus strand (C>T on the coding strand, the complement: DIAPH1 is on the minus strand). VCF-style: chr5-141588249-G-A. GRCh37 (hg19) VCF-style: chr5-140967816-G-A.
Other names: c.119C>T, p.Thr40Ile (NM_001314007.2); c.118-1052C>T (NM_001079812.3); short protein forms T40I.
Identifiers: ClinVar variation 1490732 (VCV001490732.8), dbSNP rs1437971317, ClinGen allele CA361547004.